The following is an entry in ClinVar:

NM_000097.7(CPOX):c.52C>T (p.Arg18Trp)

Genes: CPOX (coproporphyrinogen oxidase; minus strand), LOC129937121 (ATAC-STARR-seq lymphoblastoid silent region 14560; plus strand). Cytogenetic location: 3q11.2.
Variant type: single nucleotide variant.
Coding change: c.52C>T on transcript NM_000097.7 (MANE Select); coding-DNA position 52, C replaced by T.
Protein change: p.Arg18Trp; replaces arginine 18 with tryptophan.
Molecular consequence: missense variant.
Genome position (GRCh38, 1-based): chr3:98,593,453, G>A on the plus strand (C>T on the coding strand, the complement: CPOX is on the minus strand). VCF-style: chr3-98593453-G-A. GRCh37 (hg19) VCF-style: chr3-98312297-G-A.
Other names: short protein forms R18W.
Identifiers: ClinVar variation 2237379 (VCV002237379.3), dbSNP rs1300897977, ClinGen allele CA353647243.
Genomic context (GRCh38, chr3:98,593,453, plus strand): 5'-AGGCTCGGAGCCCTCCGCCGCCGCACTGGGACCAGGCGCGGGGCCCTCCGCAGCCGCCCC[G>A]CGCCACGAGCCAGCAGGGGCCCGAGCTCAGCCTGCCCAGCTGCAAGGCCATGTTCCCGCA-3'
Protein context (NP_000088.3, residues 8-28): LSSGPCWLVA[Arg18Trp]GGCGGPRAWS

ClinVar aggregate classification (germline): Uncertain significance. Review status: criteria provided, multiple submitters, no conflicts (2 of 4 stars). 2 submissions from 2 submitters: Uncertain significance (2). Last evaluated 2026-04-30.

Conditions:
Inborn genetic diseases. Identifiers: MedGen C0950123, MeSH D030342.

Allele frequency attached by ClinVar (database versions not stated): gnomAD exomes 0.00001.
gnomAD v4.1: 8 of 1,490,466 alleles (0.00054%); highest among the groups gnomAD compares: East Asian, 0.0028%; no homozygotes.

Submissions (2):

Women's Health and Genetics/Laboratory Corporation of America, LabCorp
Classification: Uncertain significance. Last evaluated: 2026-04-30. Review status: criteria provided, single submitter. Criteria: LabCorp Variant Classification Summary - May 2015. Collection method: clinical testing. Allele origin: germline.
Comment: Variant summary: CPOX c.52C>T (p.Arg18Trp) results in a non-conservative amino acid change in the encoded protein sequence. Algorithms developed to predict the effect of missense changes on protein structure and function are either unavailable or do not agree on the potential impact of this missense change. The variant allele was found at a frequency of 2.2e-05 in 91718 control chromosomes. The available data on variant occurrences in the general population are insufficient to allow any conclusion about variant significance. To our knowledge, no occurrence of c.52C>T in individuals affected with CPOX-related conditions and no experimental evidence demonstrating its impact on protein function have been reported. ClinVar contains an entry for this variant (Variation ID: 2237379). Based on the evidence outlined above, the variant was classified as uncertain significance.

Ambry Genetics
Classification: Uncertain significance for Inborn genetic diseases. Last evaluated: 2021-07-14. Review status: criteria provided, single submitter. Criteria: Ambry Variant Classification Scheme 2023. Collection method: clinical testing. Allele origin: germline.